The following is an entry in ClinVar:

NM_198994.3(TGM6):c.1452C>T (p.Asp484=)

Gene: TGM6 (transglutaminase 6; plus strand). Cytogenetic location: 20p13.
Variant type: single nucleotide variant.
Coding change: c.1452C>T on transcript NM_198994.3 (MANE Select); coding-DNA position 1452, C replaced by T.
Protein change: p.Asp484=; no amino-acid change (aspartic acid 484 retained).
Molecular consequence: synonymous variant.
Genome position (GRCh38, 1-based): chr20:2,417,347, C>T. VCF-style: chr20-2417347-C-T. GRCh37 (hg19) VCF-style: chr20-2397993-C-T.
Other names: p.Asp484=; c.1452C>T, p.Asp484= (NM_001254734.2).
Identifiers: ClinVar variation 337928 (VCV000337928.40), dbSNP rs142748417, ClinGen allele CA9732109.
Genomic context (GRCh38, chr20:2,417,347, plus strand): 5'-GGAAGCCTCTGGAAGGAGAATCTGGATCCGCAGGGCTGGGGGTCGCTGTCTCTGGCGTGA[C>T]GACCTCCTGGAGCCTGCCACCAAGCCCAGCATCGCTGGCAAGTTCAAGGTGCTAGAGCCT-3'
Protein context (NP_945345.2, residues 474-494): RRAGGRCLWR[Asp484=]DLLEPATKPS

ClinVar aggregate classification (germline): Benign/Likely benign. Review status: criteria provided, multiple submitters, no conflicts (2 of 4 stars). 7 submissions from 7 submitters: Benign (3); Likely benign (3). 1 of the submissions does not count toward it. Last evaluated 2026-06-01.

Conditions:
TGM6-related disorder. Also called: TGM6-related condition.
Spinocerebellar ataxia type 35. Identifiers: Orphanet 276193, MedGen C3888031, MONDO:0013485, OMIM 613908.

Allele frequency attached by ClinVar (database versions not stated): TOPMed 0.00041; gnomAD 0.00046; gnomAD exomes 0.00053; ExAC 0.00069; ESP Exome Variant Server 0.00100.
gnomAD v4.1: 682 of 1,613,890 alleles (0.042%); highest among the groups gnomAD compares: Non-Finnish European, 0.053%; 1 homozygote.

Submissions (7):

CeGaT Center for Human Genetics Tuebingen
Classification: Likely benign. Last evaluated: 2026-06-01. Review status: criteria provided, single submitter. Criteria: CeGaT Center For Human Genetics Tuebingen Variant Classification Criteria Version 2. Collection method: clinical testing. Allele origin: germline. Affected: yes. Observed: 9 variant alleles.
Comment: TGM6: BP4, BP7

Labcorp Genetics (formerly Invitae), Labcorp
Classification: Benign. Last evaluated: 2026-01-12. Review status: criteria provided, single submitter. Criteria: Invitae Variant Classification Sherloc (09022015). Collection method: clinical testing. Allele origin: germline.

Blueprint Genetics
Classification: Likely benign. Last evaluated: 2024-11-19. Review status: criteria provided, single submitter. Criteria: ACMG Guidelines, 2015. Collection method: clinical testing. Allele origin: germline.

Mayo Clinic Laboratories, Mayo Clinic
Classification: Benign. Last evaluated: 2023-06-16. Review status: criteria provided, single submitter. Criteria: ACMG Guidelines, 2015. Collection method: clinical testing. Allele origin: germline. Observed: 2 variant alleles.
Comment: BS1, BS2, BP4, BP7

Athena Diagnostics
Classification: Benign. Last evaluated: 2019-03-01. Review status: criteria provided, single submitter. Criteria: Athena Diagnostics Criteria. Collection method: clinical testing. Allele origin: germline.

Illumina Laboratory Services, Illumina
Classification: Likely benign for Spinocerebellar ataxia type 35. Last evaluated: 2018-01-13. Review status: criteria provided, single submitter. Criteria: ICSL Variant Classification Criteria 13 December 2019. Collection method: clinical testing. Allele origin: germline.
Comment: This variant was observed in the ICSL laboratory as part of a predisposition screen in an ostensibly healthy population. It had not been previously curated by ICSL or reported in the Human Gene Mutation Database (HGMD: prior to June 1st, 2018), and was therefore a candidate for classification through an automated scoring system. Utilizing variant allele frequency, disease prevalence and penetrance estimates, and inheritance mode, an automated score was calculated to assess if this variant is too frequent to cause the disease. Based on the score and internal cut-off values, a variant classified as likely benign is not then subjected to further curation. The score for this variant resulted in a classification of likely benign for this disease.

PreventionGenetics, part of Exact Sciences
Classification: Likely benign for TGM6-related condition. Last evaluated: 2019-09-11. Review status: no assertion criteria provided. Collection method: clinical testing. Allele origin: germline. Not counted in ClinVar's aggregate classification.
Comment: This variant is classified as likely benign based on ACMG/AMP sequence variant interpretation guidelines (Richards et al. 2015 PMID: 25741868, with internal and published modifications).